The following is an entry in ClinVar:

ClinVar aggregate classification (germline): Likely pathogenic (1 of 4 stars; one submission).

Submission:

CeGaT Center for Human Genetics Tuebingen
Classification: Likely pathogenic. Last evaluated: 2026-03-01. Review status: criteria provided, single submitter. Criteria: CeGaT Center For Human Genetics Tuebingen Variant Classification Criteria Version 2. Collection method: clinical testing. Allele origin: germline. Affected: yes. Observed: 2 variant alleles.
Comment: SHANK3: PVS1:Strong, PM2

NM_001372044.2(SHANK3):c.828-2A>G

Gene: SHANK3 (SH3 and multiple ankyrin repeat domains 3; plus strand). Cytogenetic location: 22q13.33.
Variant type: single nucleotide variant.
Coding change: c.828-2A>G on transcript NM_001372044.2 (MANE Select); the canonical splice acceptor site of the intron before coding-DNA position 828, A replaced by G.
Molecular consequence: splice acceptor variant.
Genome position (GRCh38, 1-based): chr22:50,679,017, A>G. VCF-style: chr22-50679017-A-G. GRCh37 (hg19) VCF-style: chr22-51117445-A-G.
Identifiers: ClinVar variation 4823622 (VCV004823622.4).